The following is an entry in ClinVar:

NM_001429.4(EP300):c.5838A>G (p.Gln1946=)

Gene: EP300 (EP300 lysine acetyltransferase; plus strand). Cytogenetic location: 22q13.2.
Variant type: single nucleotide variant.
Coding change: c.5838A>G on transcript NM_001429.4 (MANE Select); coding-DNA position 5838, A replaced by G.
Protein change: p.Gln1946=; no amino-acid change (glutamine 1946 retained).
Molecular consequence: synonymous variant.
Genome position (GRCh38, 1-based): chr22:41,177,549, A>G. VCF-style: chr22-41177549-A-G. GRCh37 (hg19) VCF-style: chr22-41573553-A-G.
Other names: c.5838A>G (NM_001429.3); c.5760A>G, p.Gln1920= (NM_001362843.2).
Identifiers: ClinVar variation 1982301 (VCV001982301.5), dbSNP rs772381985, ClinGen allele CA10253718.

ClinVar aggregate classification (germline): Likely benign. Review status: criteria provided, multiple submitters, no conflicts (2 of 4 stars). 2 submissions from 2 submitters: Likely benign (2). Last evaluated 2026-01-21.

Conditions:
EP300-related disorder. Also called: EP300-related disorders; EP300-related condition.
Rubinstein-Taybi syndrome due to EP300 haploinsufficiency. Also called: EP300-Related Rubinstein-Taybi Syndrome; RUBINSTEIN-TAYBI SYNDROME 2. Identifiers: Orphanet 353284, Orphanet 783, MedGen C3150941, MONDO:0013364, OMIM 613684.

Allele frequency attached by ClinVar (database versions not stated): ExAC 0.00001; gnomAD 0.00001; gnomAD exomes 0.00001; TOPMed 0.00001.
gnomAD v4.1: 11 of 1,614,116 alleles (0.00068%); highest among the groups gnomAD compares: African/African-American, 0.0013%; no homozygotes.

Submissions (2):

PreventionGenetics, part of Exact Sciences
Classification: Likely benign for EP300-related condition. Last evaluated: 2026-01-21. Review status: criteria provided, single submitter. Criteria: ACMG Guidelines, 2015. Collection method: clinical testing. Allele origin: germline.
Comment: This variant is classified as likely benign based on ACMG/AMP sequence variant interpretation guidelines (Richards et al. 2015 PMID: 25741868, with internal and published modifications).

Labcorp Genetics (formerly Invitae), Labcorp
Classification: Likely benign for Rubinstein-Taybi syndrome due to EP300 haploinsufficiency. Last evaluated: 2024-08-28. Review status: criteria provided, single submitter. Criteria: Invitae Variant Classification Sherloc (09022015). Collection method: clinical testing. Allele origin: germline.